The following is an entry in ClinVar:

ClinVar aggregate classification (germline): Pathogenic (1 of 4 stars; one submission).

Conditions:
BAP1-related tumor predisposition syndrome (TPDS1). Also called: TUMOR PREDISPOSITION SYNDROME 1; Tumor susceptibility linked to germline BAP1 mutations; BAP1 tumor predisposition syndrome; COMMON Syndrome. Identifiers: Orphanet 289539, MedGen C3280492, MONDO:0013692, OMIM 614327.

Allele frequency attached by ClinVar (database versions not stated): gnomAD exomes below 0.00001.

Submission:

Labcorp Genetics (formerly Invitae), Labcorp
Classification: Pathogenic for BAP1-related tumor predisposition syndrome. Last evaluated: 2025-08-24. Review status: criteria provided, single submitter. Criteria: Invitae Variant Classification Sherloc (09022015). Collection method: clinical testing. Allele origin: germline.
Comment: This sequence change creates a premature translational stop signal (p.Glu577*) in the BAP1 gene. It is expected to result in an absent or disrupted protein product. Loss-of-function variants in BAP1 are known to be pathogenic (PMID: 21874000, 23684012). This variant is not present in population databases (gnomAD no frequency). This variant has not been reported in the literature in individuals affected with BAP1-related conditions. ClinVar contains an entry for this variant (Variation ID: 845141). Algorithms developed to predict the effect of sequence changes on RNA splicing suggest that this variant may disrupt the consensus splice site. For these reasons, this variant has been classified as Pathogenic.

Literature cited by the submitters: PubMed 21874000; PubMed 23684012.

NM_004656.4(BAP1):c.1729G>T (p.Glu577Ter)

Gene: BAP1 (BRCA1 associated deubiquitinase 1; minus strand). Cytogenetic location: 3p21.1.
Variant type: single nucleotide variant.
Coding change: c.1729G>T on transcript NM_004656.4 (MANE Select); coding-DNA position 1729, G replaced by T.
Protein change: p.Glu577Ter; replaces glutamic acid 577 with a stop codon.
Molecular consequence: nonsense.
Genome position (GRCh38, 1-based): chr3:52,403,416, C>A on the plus strand (G>T on the coding strand, the complement: BAP1 is on the minus strand). VCF-style: chr3-52403416-C-A. GRCh37 (hg19) VCF-style: chr3-52437432-C-A.
Other names: short protein forms E577*.
Identifiers: ClinVar variation 845141 (VCV000845141.7), dbSNP rs1705034786, ClinGen allele CA353099498.